The following is an entry in ClinVar:

ClinVar aggregate classification (germline): Uncertain significance (1 of 4 stars; one submission).

Conditions:
Hereditary cancer-predisposing syndrome. Also called: Hereditary Cancer Syndrome; Neoplastic Syndromes, Hereditary; Tumor predisposition; Hereditary neoplastic syndrome. Identifiers: Orphanet 140162, MedGen C0027672, MeSH D009386, MONDO:0015356.

Submission:

Ambry Genetics
Classification: Uncertain significance for Hereditary cancer-predisposing syndrome. Last evaluated: 2026-07-07. Review status: criteria provided, single submitter. Criteria: Ambry Variant Classification Scheme 2023. Collection method: clinical testing. Allele origin: germline.
Comment: The p.N1293D variant (also known as c.3877A>G), located in coding exon 20 of the DICER1 gene, results from an A to G substitution at nucleotide position 3877. The asparagine at codon 1293 is replaced by aspartic acid, an amino acid with highly similar properties. This amino acid position is conserved. In addition, this alteration is predicted to be tolerated by in silico analysis. Based on the available evidence, the clinical significance of this variant remains unclear.

NM_177438.3(DICER1):c.3877A>G (p.Asn1293Asp)

Gene: DICER1 (dicer 1, ribonuclease III; minus strand). Cytogenetic location: 14q32.13.
Variant type: single nucleotide variant.
Coding change: c.3877A>G on transcript NM_177438.3 (MANE Select); coding-DNA position 3877, A replaced by G.
Protein change: p.Asn1293Asp; replaces asparagine 1293 with aspartic acid.
Molecular consequence: missense variant. On other transcripts: non-coding transcript variant (6).
Genome position (GRCh38, 1-based): chr14:95,103,519, T>C on the plus strand (A>G on the coding strand, the complement: DICER1 is on the minus strand). VCF-style: chr14-95103519-T-C. GRCh37 (hg19) VCF-style: chr14-95569856-T-C.
Other names: c.3877A>G, p.Asn1293Asp (NM_001195573.1, NM_001271282.3, NM_001291628.2 and 12 more transcripts); c.3595A>G, p.Asn1199Asp (NM_001395686.1); c.3472A>G, p.Asn1158Asp (NM_001395687.1, NM_001395688.1, NM_001395689.1 and 2 more transcripts); c.3310A>G, p.Asn1104Asp (NM_001395691.1); c.2194A>G, p.Asn732Asp (NM_001395697.1); short protein forms N1158D, N732D, N1104D, N1199D, N1293D.
Identifiers: ClinVar variation 5035268 (VCV005035268.1).